The following is an entry in ClinVar:

NM_001854.4(COL11A1):c.1903G>A (p.Glu635Lys)

Gene: COL11A1 (collagen type XI alpha 1 chain; minus strand). Cytogenetic location: 1p21.1.
Variant type: single nucleotide variant.
Coding change: c.1903G>A on transcript NM_001854.4 (MANE Select); coding-DNA position 1903, G replaced by A.
Protein change: p.Glu635Lys; replaces glutamic acid 635 with lysine.
Molecular consequence: missense variant. On other transcripts: non-coding transcript variant (1).
Genome position (GRCh38, 1-based): chr1:103,004,485, C>T on the plus strand (G>A on the coding strand, the complement: COL11A1 is on the minus strand). VCF-style: chr1-103004485-C-T. GRCh37 (hg19) VCF-style: chr1-103470041-C-T.
Other names: c.1786G>A, p.Glu596Lys (NM_001190709.2); c.1939G>A, p.Glu647Lys (NM_080629.3); c.1555G>A, p.Glu519Lys (NM_080630.4); short protein forms E519K, E596K, E635K, E647K.
Identifiers: ClinVar variation 3613447 (VCV003613447.2).
Genomic context (GRCh38, chr1:103,004,485, plus strand): 5'-TAAAAAGTAAGTTGCTTACAGCTTCACCTGGAAGACCTCTTGGTCCAATTTCTCCATCTT[C>T]TCCCTGTCATTGACAAAATGAATGAGAGTATAGAACATTTGGACAATGTATCATTTCAAC-3'
Protein context (NP_001845.3, residues 625-645): GPPGDDGMRG[Glu635Lys]DGEIGPRGLP

ClinVar aggregate classification (germline): Uncertain significance (1 of 4 stars; one submission).

gnomAD v4.1: 1 of 1,611,752 alleles (0.000062%); highest among the groups gnomAD compares: Middle Eastern, 0.017%; no homozygotes.

Submission:

Labcorp Genetics (formerly Invitae), Labcorp
Classification: Uncertain significance. Last evaluated: 2024-12-14. Review status: criteria provided, single submitter. Criteria: Invitae Variant Classification Sherloc (09022015). Collection method: clinical testing. Allele origin: germline.
Comment: This sequence change replaces glutamic acid, which is acidic and polar, with lysine, which is basic and polar, at codon 635 of the COL11A1 protein (p.Glu635Lys). This variant is not present in population databases (gnomAD no frequency). This variant has not been reported in the literature in individuals affected with COL11A1-related conditions. Invitae Evidence Modeling of protein sequence and biophysical properties (such as structural, functional, and spatial information, amino acid conservation, physicochemical variation, residue mobility, and thermodynamic stability) indicates that this missense variant is not expected to disrupt COL11A1 protein function with a negative predictive value of 80%. In summary, the available evidence is currently insufficient to determine the role of this variant in disease. Therefore, it has been classified as a Variant of Uncertain Significance.